The following is an entry in ClinVar:

NM_006015.6(ARID1A):c.2693C>T (p.Ala898Val)

Gene: ARID1A (AT-rich interaction domain 1A; plus strand). Cytogenetic location: 1p36.11.
Variant type: single nucleotide variant.
Coding change: c.2693C>T on transcript NM_006015.6 (MANE Select); coding-DNA position 2693, C replaced by T.
Protein change: p.Ala898Val; replaces alanine 898 with valine.
Molecular consequence: missense variant.
Genome position (GRCh38, 1-based): chr1:26,763,246, C>T. VCF-style: chr1-26763246-C-T. GRCh37 (hg19) VCF-style: chr1-27089737-C-T.
Other names: c.2693C>T, p.Ala898Val (NM_139135.4); short protein forms A898V.
Identifiers: ClinVar variation 1331308 (VCV001331308.2), dbSNP rs947997796, ClinGen allele CA19798881.
Genomic context (GRCh38, chr1:26,763,246, plus strand): 5'-AGGTTGGGTCAGGGATGTGTCCCCCACCAGGGGGCATGAACCGGAAAACCCAAGAAACTG[C>T]TGTCGCCATGCATGTTGCTGCCAACTCTATCCAAAACAGGTAAGGCCTGGGAAGCAGAGA-3'
Protein context (NP_006006.3, residues 888-908): GGMNRKTQET[Ala898Val]VAMHVAANSI

ClinVar aggregate classification (germline): Uncertain significance (1 of 4 stars; one submission).

Allele frequency attached by ClinVar (database versions not stated): gnomAD exomes below 0.00001; TOPMed below 0.00001.
gnomAD v4.1: 5 of 1,612,428 alleles (0.00031%); highest among the groups gnomAD compares: Non-Finnish European, 0.00042%; no homozygotes.

Submission:

GeneDx
Classification: Uncertain significance. Last evaluated: 2021-06-30. Review status: criteria provided, single submitter. Criteria: GeneDx Variant Classification Process June 2021. Collection method: clinical testing. Allele origin: germline. Affected: yes.
Comment: Not observed at significant frequency in large population cohorts (Lek et al., 2016); In silico analysis supports that this missense variant has a deleterious effect on protein structure/function; Has not been previously published as pathogenic or benign to our knowledge; This variant is associated with the following publications: (PMID: 27535533)